The following is an entry in ClinVar:

NM_001042492.3(NF1):c.6124A>G (p.Asn2042Asp)

Gene: NF1 (neurofibromin 1; plus strand). Cytogenetic location: 17q11.2.
Variant type: single nucleotide variant.
Coding change: c.6124A>G on transcript NM_001042492.3 (MANE Select); coding-DNA position 6124, A replaced by G.
Protein change: p.Asn2042Asp; replaces asparagine 2042 with aspartic acid.
Molecular consequence: missense variant.
Genome position (GRCh38, 1-based): chr17:31,336,450, A>G. VCF-style: chr17-31336450-A-G. GRCh37 (hg19) VCF-style: chr17-29663468-A-G.
Other names: c.6061A>G, p.Asn2021Asp (NM_000267.4); short protein forms N2042D, N2021D.
Identifiers: ClinVar variation 1519933 (VCV001519933.9), dbSNP rs2151553540, ClinGen allele CA399011470.

ClinVar aggregate classification (germline): Conflicting classifications of pathogenicity. Review status: criteria provided, conflicting classifications (1 of 4 stars). 3 submissions from 3 submitters: Uncertain significance (2); Likely benign (1). Last evaluated 2025-05-05.

Conditions:
Cardiovascular phenotype. Identifiers: MedGen CN230736.
Hereditary cancer-predisposing syndrome. Also called: Tumor predisposition; Hereditary neoplastic syndrome; Neoplastic Syndromes, Hereditary; Hereditary Cancer Syndrome. Identifiers: Orphanet 140162, MedGen C0027672, MeSH D009386, MONDO:0015356.
Juvenile myelomonocytic leukemia (JMML). Also called: LEUKEMIA, JUVENILE MYELOMONOCYTIC, SOMATIC. Identifiers: Orphanet 86834, MedGen C0349639, MONDO:0011908, OMIM 607785, HP:0012209.
Café-au-lait macules with pulmonary stenosis (WTSN). Also called: PULMONIC STENOSIS WITH CAFE-AU-LAIT SPOTS. Identifiers: MedGen C0553586, MONDO:0008672, OMIM 193520.
Neurofibromatosis, familial spinal (FSNF). Identifiers: Orphanet 636, MedGen C1834235, MONDO:0008078, OMIM 162210. Disease mechanism: loss of function.
Neurofibromatosis, type 1 (NF1). Also called: VON RECKLINGHAUSEN DISEASE; Neurofibromatosis, type I; Peripheral type neurofibromatosis; NEUROFIBROMATOSIS, TYPE I, SOMATIC. Identifiers: Orphanet 636, MedGen C0027831, MONDO:0018975, OMIM 162200. Disease mechanism: loss of function.
Neurofibromatosis-Noonan syndrome (NFNS). Also called: NEUROFIBROMATOSIS WITH NOONAN PHENOTYPE. Identifiers: Orphanet 638, MedGen C2931482, MONDO:0011035, OMIM 601321. Disease mechanism: loss of function.

Submissions (3):

Labcorp Genetics (formerly Invitae), Labcorp
Classification: Likely benign for Neurofibromatosis, type 1. Last evaluated: 2025-05-05. Review status: criteria provided, single submitter. Criteria: Invitae Variant Classification Sherloc (09022015). Collection method: clinical testing. Allele origin: germline.

Fulgent Genetics
Classification: Uncertain significance for Neurofibromatosis, type 1; Neurofibromatosis, familial spinal; Café-au-lait macules with pulmonary stenosis; Neurofibromatosis-Noonan syndrome; Juvenile myelomonocytic leukemia. Last evaluated: 2024-05-15. Review status: criteria provided, single submitter. Criteria: ACMG Guidelines, 2015. Collection method: clinical testing. Allele origin: germline.

Ambry Genetics
Classification: Uncertain significance for Cardiovascular phenotype; Hereditary cancer-predisposing syndrome. Last evaluated: 2021-11-18. Review status: criteria provided, single submitter. Criteria: Ambry Variant Classification Scheme 2023. Collection method: clinical testing. Allele origin: germline.
Comment: The p.N2021D variant (also known as c.6061A>G), located in coding exon 40 of the NF1 gene, results from an A to G substitution at nucleotide position 6061. The asparagine at codon 2021 is replaced by aspartic acid, an amino acid with highly similar properties. This amino acid position is highly conserved in available vertebrate species. In addition, the in silico prediction for this alteration is inconclusive. Since supporting evidence is limited at this time, the clinical significance of this alteration remains unclear.